The following is an entry in ClinVar:

NM_001282717.2(STAG3):c.1357_1358del (p.Phe453fs)

Gene: STAG3 (STAG3 cohesin complex component; plus strand). Cytogenetic location: 7q22.1.
Variant type: Deletion.
Coding change: c.1357_1358del on transcript NM_001282717.2 (MANE Select); coding-DNA positions 1357 to 1358, 2 bases deleted (TT; older notation c.1357_1358delTT).
Protein change: p.Phe453fs; shifts the reading frame from phenylalanine 453.
Molecular consequence: frameshift variant.
Genome position (GRCh38, 1-based): chr7:100,198,847-100,198,848, TT deleted. VCF-style (leftmost placement, unchanged base first): chr7-100198846-CTT-C. GRCh37 (hg19) VCF-style: chr7-99796469-CTT-C.
Other names: c.1357_1358del, p.Phe453fs (NM_001282716.1, NM_001375438.1, NM_012447.4); c.1183_1184del, p.Phe395fs (NM_001282718.2); short protein forms F453fs, F395fs.
Identifiers: ClinVar variation 5007109 (VCV005007109.2).

ClinVar aggregate classification (germline): Likely pathogenic (1 of 4 stars; one submission).

Conditions:
Premature ovarian failure 8 (POF8). Identifiers: MedGen C3810367, MONDO:0014321, OMIM 615723.
Spermatogenic failure 61 (SPGF61). Identifiers: MedGen C5562048, MONDO:0030507, OMIM 619672.

Submission:

Juno Genomics, Hangzhou Juno Genomics, Inc
Classification: Likely pathogenic for Premature ovarian failure 8; Spermatogenic failure 61. Review status: criteria provided, single submitter. Criteria: ACMG Guidelines, 2015. Collection method: clinical testing. Allele origin: germline.
Comment: Null variant in a gene where loss of function (LOF) is a known mechanism of disease.;Absent from controls (or at extremely low frequency if recessive) in Genome Aggregation Database.